The following is an entry in ClinVar:

ClinVar aggregate classification (germline): Pathogenic (1 of 4 stars; one submission).

Submission:

Labcorp Genetics (formerly Invitae), Labcorp
Classification: Pathogenic. Last evaluated: 2025-09-14. Review status: criteria provided, single submitter. Criteria: Invitae Variant Classification Sherloc (09022015). Collection method: clinical testing. Allele origin: germline.
Comment: This sequence change creates a premature translational stop signal (p.Asn145Lysfs*15) in the GNAT1 gene. It is expected to result in an absent or disrupted protein product. Loss-of-function variants in GNAT1 are known to be pathogenic (PMID: 11095744, 31736247). This variant is not present in population databases (gnomAD no frequency). This variant has not been reported in the literature in individuals affected with GNAT1-related conditions. For these reasons, this variant has been classified as Pathogenic.

Literature cited by the submitters: PubMed 11095744; PubMed 31736247.

NM_144499.3(GNAT1):c.435del (p.Asn145fs)

Gene: GNAT1 (G protein subunit alpha transducin 1; plus strand). Cytogenetic location: 3p21.31.
Variant type: Deletion.
Coding change: c.435del on transcript NM_144499.3 (MANE Select); coding-DNA position 435, one base deleted (C; older notation c.435delC).
Protein change: p.Asn145fs; shifts the reading frame from asparagine 145.
Molecular consequence: frameshift variant.
Genome position (GRCh38, 1-based): chr3:50,193,649, C deleted. VCF-style (leftmost placement, unchanged base first): chr3-50193648-AC-A. GRCh37 (hg19) VCF-style: chr3-50231081-AC-A.
Other names: c.435del, p.Asn145fs (NM_000172.4); short protein forms N145fs.
Identifiers: ClinVar variation 4727185 (VCV004727185.1).